The following is an entry in ClinVar:

NM_000065.5(C6):c.652T>C (p.Cys218Arg)

Gene: C6 (complement C6; minus strand). Cytogenetic location: 5p13.1.
Variant type: single nucleotide variant.
Coding change: c.652T>C on transcript NM_000065.5 (MANE Select); coding-DNA position 652, T replaced by C.
Protein change: p.Cys218Arg; replaces cysteine 218 with arginine.
Molecular consequence: missense variant.
Genome position (GRCh38, 1-based): chr5:41,186,144, A>G on the plus strand (T>C on the coding strand, the complement: C6 is on the minus strand). VCF-style: chr5-41186144-A-G. GRCh37 (hg19) VCF-style: chr5-41186246-A-G.
Other names: c.652T>C, p.Cys218Arg (NM_001115131.4); short protein forms C218R.
Identifiers: ClinVar variation 3632253 (VCV003632253.2).

ClinVar aggregate classification (germline): Uncertain significance (1 of 4 stars; one submission).

gnomAD v4.1: 4 of 1,613,980 alleles (0.00025%); highest among the groups gnomAD compares: South Asian, 0.0022%; no homozygotes.

Submission:

Labcorp Genetics (formerly Invitae), Labcorp
Classification: Uncertain significance. Last evaluated: 2025-02-03. Review status: criteria provided, single submitter. Criteria: Invitae Variant Classification Sherloc (09022015). Collection method: clinical testing. Allele origin: germline.
Comment: This sequence change replaces cysteine, which is neutral and slightly polar, with arginine, which is basic and polar, at codon 218 of the C6 protein (p.Cys218Arg). This variant is present in population databases (rs756731027, gnomAD 0.003%). This variant has not been reported in the literature in individuals affected with C6-related conditions. An algorithm developed to predict the effect of missense changes on protein structure and function (PolyPhen-2) suggests that this variant is likely to be disruptive. In summary, the available evidence is currently insufficient to determine the role of this variant in disease. Therefore, it has been classified as a Variant of Uncertain Significance.